The following is an entry in ClinVar:

NM_001127671.2(LIFR):c.3288C>T (p.Asn1096=)

Gene: LIFR (LIF receptor subunit alpha; minus strand). Cytogenetic location: 5p13.1.
Variant type: single nucleotide variant.
Coding change: c.3288C>T on transcript NM_001127671.2 (MANE Select); coding-DNA position 3288, C replaced by T.
Protein change: p.Asn1096=; no amino-acid change (asparagine 1096 retained).
Molecular consequence: synonymous variant.
Genome position (GRCh38, 1-based): chr5:38,481,601, G>A on the plus strand (C>T on the coding strand, the complement: LIFR is on the minus strand). VCF-style: chr5-38481601-G-A. GRCh37 (hg19) VCF-style: chr5-38481703-G-A.
Other names: c.3288C>T, p.Asn1096= (NM_002310.6, NM_001364297.2); c.3255C>T, p.Asn1085= (NM_001364298.2).
Identifiers: ClinVar variation 195484 (VCV000195484.33), dbSNP rs3729751, ClinGen allele CA201780.
Genomic context (GRCh38, chr5:38,481,601, plus strand): 5'-CACTAGCAGTAAGAGCTTATTGAGATGGCTGACTGAAGTGACACGGTGACACTGTTAATC[G>A]TTTGGTTTGTTCTGAAAAAAGTTTGTAAAGGACCACCCTCCTCCATTAGATTTAGGAGAG-3'
Protein context (NP_001121143.1, residues 1086-1097): SFTNFFQNKP[Asn1096=]D

ClinVar aggregate classification (germline): Benign/Likely benign. Review status: criteria provided, multiple submitters, no conflicts (2 of 4 stars). 9 submissions from 9 submitters: Benign (4); Likely benign (3). 2 of the submissions do not count toward it. Last evaluated 2026-01-27.

Conditions:
LIFR-related disorder. Also called: LIFR-related condition.
Stüve-Wiedemann syndrome 1. Also called: STUVE-WIEDEMANN/SCHWARTZ-JAMPEL TYPE 2 SYNDROME. Identifiers: Orphanet 3206, MedGen C5676888, MONDO:0800043, OMIM 601559.
Stuve-Wiedemann syndrome (STWS). Also called: Stüve-Wiedemann syndrome. Identifiers: Orphanet 3206, MedGen C0796176, MONDO:0031280.

Allele frequency attached by ClinVar (database versions not stated): 1000 Genomes Project 0.00260; 1000 Genomes Project 30x 0.00281; ESP Exome Variant Server 0.00338; TOPMed 0.00412.
gnomAD v4.1: 1,096 of 1,614,072 alleles (0.068%); highest among the groups gnomAD compares: African/African-American, 1.2%; 6 homozygotes.

Submissions (9):

Labcorp Genetics (formerly Invitae), Labcorp
Classification: Benign. Last evaluated: 2026-01-27. Review status: criteria provided, single submitter. Criteria: Invitae Variant Classification Sherloc (09022015). Collection method: clinical testing. Allele origin: germline.

ARUP Laboratories, Molecular Genetics and Genomics, ARUP Laboratories
Classification: Benign for Stüve-Wiedemann syndrome 1. Last evaluated: 2025-06-11. Review status: criteria provided, single submitter. Criteria: ARUP Molecular Germline Variant Investigation Process 2024. Collection method: clinical testing. Allele origin: germline.

Blueprint Genetics
Classification: Likely benign. Last evaluated: 2024-07-05. Review status: criteria provided, single submitter. Criteria: ACMG Guidelines, 2015. Collection method: clinical testing. Allele origin: germline.

Fulgent Genetics
Classification: Likely benign for Stüve-Wiedemann syndrome 1. Last evaluated: 2021-12-06. Review status: criteria provided, single submitter. Criteria: ACMG Guidelines, 2015. Collection method: clinical testing. Allele origin: unknown.

GeneDx
Classification: Likely benign. Last evaluated: 2021-03-04. Review status: criteria provided, single submitter. Criteria: GeneDx Variant Classification Process June 2021. Collection method: clinical testing. Allele origin: germline. Affected: yes.

Illumina Laboratory Services, Illumina
Classification: Benign for Stüve-Wiedemann syndrome 1. Last evaluated: 2018-01-13. Review status: criteria provided, single submitter. Criteria: ICSL Variant Classification Criteria 13 December 2019. Collection method: clinical testing. Allele origin: germline.
Comment: This variant was observed in the ICSL laboratory as part of a predisposition screen in an ostensibly healthy population. It had not been previously curated by ICSL or reported in the Human Gene Mutation Database (HGMD: prior to June 1st, 2018), and was therefore a candidate for classification through an automated scoring system. Utilizing variant allele frequency, disease prevalence and penetrance estimates, and inheritance mode, an automated score was calculated to assess if this variant is too frequent to cause the disease. Based on the score and internal cut-off values, a variant classified as benign is not then subjected to further curation. The score for this variant resulted in a classification of benign for this disease.

Eurofins Ntd Llc (ga)
Classification: Benign. Last evaluated: 2015-02-26. Review status: criteria provided, single submitter. Criteria: EGL Classification Definitions 2015. Collection method: clinical testing. Allele origin: germline. Observed: 1 variant allele, 1 heterozygote.

Natera, Inc.
Classification: Benign for Stuve-Wiedemann syndrome. Last evaluated: 2020-09-16. Review status: no assertion criteria provided. Collection method: clinical testing. Allele origin: germline. Not counted in ClinVar's aggregate classification.

PreventionGenetics, part of Exact Sciences
Classification: Benign for LIFR-related condition. Last evaluated: 2019-06-28. Review status: no assertion criteria provided. Collection method: clinical testing. Allele origin: germline. Not counted in ClinVar's aggregate classification.
Comment: This variant is classified as benign based on ACMG/AMP sequence variant interpretation guidelines (Richards et al. 2015 PMID: 25741868, with internal and published modifications).